The following is an entry in ClinVar:

ClinVar aggregate classification (germline): Uncertain significance. Review status: criteria provided, multiple submitters, no conflicts (2 of 4 stars). 2 submissions from 2 submitters: Uncertain significance (2). Last evaluated 2025-06-30.

Conditions:
Hereditary cancer-predisposing syndrome. Also called: Neoplastic Syndromes, Hereditary; Tumor predisposition; Hereditary Cancer Syndrome; Hereditary neoplastic syndrome. Identifiers: Orphanet 140162, MedGen C0027672, MeSH D009386, MONDO:0015356.

Submissions (2):

Color Diagnostics, LLC DBA Color Health
Classification: Uncertain significance for Hereditary cancer-predisposing syndrome. Last evaluated: 2025-06-30. Review status: criteria provided, single submitter. Criteria: ACMG Guidelines, 2015. Collection method: clinical testing. Allele origin: germline.
Comment: This variant results in a single nucleotide substitution in the 5' untranslated region of the APC gene. To our knowledge, functional studies have not been reported for this variant. This variant has not been reported in individuals affected with APC-related disorders in the literature. This variant has not been identified in the general population by the Genome Aggregation Database (gnomAD). The available evidence is insufficient to determine the role of this variant in disease conclusively. Therefore, this variant is classified as a Variant of Uncertain Significance.

Ambry Genetics
Classification: Uncertain significance for Hereditary cancer-predisposing syndrome. Last evaluated: 2025-04-30. Review status: criteria provided, single submitter. Criteria: Ambry Variant Classification Scheme 2023. Collection method: clinical testing. Allele origin: germline.
Comment: The c.-4A>C variant is located in the 5' untranslated region (5&rsquo; UTR) of the APC gene. This variant results from an A to C substitution 4 bases upstream from the first translated codon. This nucleotide position is not well conserved in available vertebrate species. Based on the available evidence, the clinical significance of this variant remains unclear.

NM_000038.6(APC):c.-4A>C

Gene: APC (APC regulator of Wnt signaling pathway; plus strand). Cytogenetic location: 5q22.2.
Variant type: single nucleotide variant.
Coding change: c.-4A>C on transcript NM_000038.6 (MANE Select); 4 bases upstream of the start codon, A replaced by C.
Molecular consequence: 5 prime UTR variant. On other transcripts: intron variant (8).
Genome position (GRCh38, 1-based): chr5:112,754,887, A>C. VCF-style: chr5-112754887-A-C. GRCh37 (hg19) VCF-style: chr5-112090584-A-C.
Other names: c.-4A>C (NM_001354903.2, NM_001127510.3, NM_001354895.2 and 2 more transcripts); c.-1039A>C (NM_001354906.2); c.166-11439A>C (NM_001354897.2, NM_001354902.2, NM_001127511.3); c.61-11439A>C (NM_001354898.2, NM_001354904.2); c.-42-11439A>C (NM_001354905.2, NM_001354900.2, NM_001354901.2).
Identifiers: ClinVar variation 920314 (VCV000920314.5), dbSNP rs1211327491, ClinGen allele CA1139658978.